The following is an entry in ClinVar:

ClinVar aggregate classification (germline): Uncertain significance (1 of 4 stars; one submission).

Conditions:
Neurofibromatosis, type 2 (SWNV). Also called: BILATERAL ACOUSTIC NEUROFIBROMATOSIS; SCHWANNOMATOSIS, VESTIBULAR; NF2-Related Schwannomatosis. Identifiers: Orphanet 637, MedGen C0027832, MONDO:0007039, OMIM 101000. Disease mechanism: loss of function.

Submission:

Labcorp Genetics (formerly Invitae), Labcorp
Classification: Uncertain significance for Neurofibromatosis, type 2. Last evaluated: 2024-10-03. Review status: criteria provided, single submitter. Criteria: Invitae Variant Classification Sherloc (09022015). Collection method: clinical testing. Allele origin: germline.
Comment: This sequence change replaces serine, which is neutral and polar, with asparagine, which is neutral and polar, at codon 12 of the NF2 protein (p.Ser12Asn). This variant is not present in population databases (gnomAD no frequency). This variant has not been reported in the literature in individuals affected with NF2-related conditions. An algorithm developed to predict the effect of missense changes on protein structure and function (PolyPhen-2) suggests that this variant is likely to be tolerated. In summary, the available evidence is currently insufficient to determine the role of this variant in disease. Therefore, it has been classified as a Variant of Uncertain Significance.

NM_000268.4(NF2):c.35G>A (p.Ser12Asn)

Gene: NF2 (NF2, moesin-ezrin-radixin like (MERLIN) tumor suppressor; plus strand). Cytogenetic location: 22q12.2.
Variant type: single nucleotide variant.
Coding change: c.35G>A on transcript NM_000268.4 (MANE Select); coding-DNA position 35, G replaced by A.
Protein change: p.Ser12Asn; replaces serine 12 with asparagine.
Molecular consequence: missense variant. On other transcripts: 5 prime UTR variant (4), non-coding transcript variant (1).
Genome position (GRCh38, 1-based): chr22:29,604,033, G>A. VCF-style: chr22-29604033-G-A. GRCh37 (hg19) VCF-style: chr22-30000022-G-A.
Other names: c.35G>A, p.Ser12Asn (NM_001407055.1, NM_001407057.1, NM_001407058.1 and 15 more transcripts); c.-196G>A (NM_001407056.1, NM_001407053.1); c.-606G>A (NM_001407065.1); c.-222G>A (NM_001407067.1); short protein forms S12N.
Identifiers: ClinVar variation 3722197 (VCV003722197.2).